The following is an entry in ClinVar:

NM_032444.4(SLX4):c.3894C>G (p.Asn1298Lys)

Gene: SLX4 (SLX4 structure-specific endonuclease subunit; minus strand). Cytogenetic location: 16p13.3.
Variant type: single nucleotide variant.
Coding change: c.3894C>G on transcript NM_032444.4 (MANE Select); coding-DNA position 3894, C replaced by G.
Protein change: p.Asn1298Lys; replaces asparagine 1298 with lysine.
Molecular consequence: missense variant.
Genome position (GRCh38, 1-based): chr16:3,589,744, G>C on the plus strand (C>G on the coding strand, the complement: SLX4 is on the minus strand). VCF-style: chr16-3589744-G-C. GRCh37 (hg19) VCF-style: chr16-3639745-G-C.
Other names: short protein forms N1298K.
Identifiers: ClinVar variation 843748 (VCV000843748.9), dbSNP rs1260811996, ClinGen allele CA394518975.

ClinVar aggregate classification (germline): Uncertain significance (1 of 4 stars; one submission).

Conditions:
Fanconi anemia (FA). Also called: Fanconi's anemia. Identifiers: Orphanet 84, MedGen C0015625, MeSH D005199, MONDO:0019391.

Allele frequency attached by ClinVar (database versions not stated): gnomAD exomes 0.00001.
gnomAD v4.1: 7 of 1,613,882 alleles (0.00043%); highest among the groups gnomAD compares: Non-Finnish European, 0.00051%; no homozygotes.

Submission:

Labcorp Genetics (formerly Invitae), Labcorp
Classification: Uncertain significance for Fanconi anemia. Last evaluated: 2019-11-19. Review status: criteria provided, single submitter. Criteria: Invitae Variant Classification Sherloc (09022015). Collection method: clinical testing. Allele origin: germline.
Comment: In summary, the available evidence is currently insufficient to determine the role of this variant in disease. Therefore, it has been classified as a Variant of Uncertain Significance. Algorithms developed to predict the effect of missense changes on protein structure and function (SIFT, PolyPhen-2, Align-GVGD) all suggest that this variant is likely to be tolerated, but these predictions have not been confirmed by published functional studies and their clinical significance is uncertain. This variant has not been reported in the literature in individuals with SLX4-related conditions. This variant is not present in population databases (ExAC no frequency). This sequence change replaces asparagine with lysine at codon 1298 of the SLX4 protein (p.Asn1298Lys). The asparagine residue is weakly conserved and there is a moderate physicochemical difference between asparagine and lysine.